The following is an entry in ClinVar:

ClinVar aggregate classification (germline): Likely benign. Review status: criteria provided, single submitter (1 of 4 stars). 2 submissions from 2 submitters: Likely benign (1). 1 of the submissions does not count toward it. Last evaluated 2024-05-07.

Conditions:
NSD1-related disorder. Also called: NSD1-related condition.

gnomAD v4.1: 3 of 1,613,594 alleles (0.00019%); highest among the groups gnomAD compares: Non-Finnish European, 0.00025%; no homozygotes.

Submissions (2):

Blueprint Genetics
Classification: Likely benign. Last evaluated: 2024-05-07. Review status: criteria provided, single submitter. Criteria: ACMG Guidelines, 2015. Collection method: clinical testing. Allele origin: germline.

PreventionGenetics, part of Exact Sciences
Classification: Likely benign for NSD1-related condition. Last evaluated: 2024-08-08. Review status: no assertion criteria provided. Collection method: clinical testing. Allele origin: germline. Not counted in ClinVar's aggregate classification.
Comment: This variant is classified as likely benign based on ACMG/AMP sequence variant interpretation guidelines (Richards et al. 2015 PMID: 25741868, with internal and published modifications).

NM_022455.5(NSD1):c.1063+10G>A

Gene: NSD1 (nuclear receptor binding SET domain protein 1; plus strand). Cytogenetic location: 5q35.3.
Variant type: single nucleotide variant.
Coding change: c.1063+10G>A on transcript NM_022455.5 (MANE Select); 10 bases into the intron after coding-DNA position 1063, G replaced by A.
Molecular consequence: intron variant.
Genome position (GRCh38, 1-based): chr5:177,192,029, G>A. VCF-style: chr5-177192029-G-A. GRCh37 (hg19) VCF-style: chr5-176619030-G-A.
Other names: c.1063+10G>A (NM_001409301.1, NM_001409302.1, NM_001409303.1); c.643+10G>A (NM_001409304.1); c.190+10G>A (NM_001409305.1, NM_001409306.1, NM_001409308.1 and 4 more transcripts).
Identifiers: ClinVar variation 3347612 (VCV003347612.2).